The following is an entry in ClinVar:

ClinVar aggregate classification (germline): Uncertain significance. Review status: criteria provided, single submitter (1 of 4 stars). 2 submissions from 2 submitters: Uncertain significance (1). 1 of the submissions does not count toward it. Last evaluated 2021-07-07.

Conditions:
Autosomal dominant polycystic liver disease. Also called: Polycystic liver disease; Congenital cystic disease of liver. Identifiers: Orphanet 2924, MedGen C0158683, MONDO:0000447, HP:0006557.

Submissions (2):

Labcorp Genetics (formerly Invitae), Labcorp
Classification: Uncertain significance. Last evaluated: 2021-07-07. Review status: criteria provided, single submitter. Criteria: Invitae Variant Classification Sherloc (09022015). Collection method: clinical testing. Allele origin: germline.
Comment: Advanced modeling of protein sequence and biophysical properties (such as structural, functional, and spatial information, amino acid conservation, physicochemical variation, residue mobility, and thermodynamic stability) performed at Invitae indicates that this missense variant is not expected to disrupt LRP5 protein function. This sequence change replaces alanine with serine at codon 1306 of the LRP5 protein (p.Ala1306Ser). The alanine residue is highly conserved and there is a moderate physicochemical difference between alanine and serine. This variant is not present in population databases (ExAC no frequency). This variant has not been reported in the literature in individuals affected with LRP5-related conditions. In summary, the available evidence is currently insufficient to determine the role of this variant in disease. Therefore, it has been classified as a Variant of Uncertain Significance.

Laboratory of Gastroenterology and Hepatology, Radboud University Medical Center
Classification: Likely benign for Autosomal dominant polycystic liver disease. Last evaluated: 2021-09-01. Review status: no assertion criteria provided. Collection method: research. Allele origin: germline. Affected: yes. Not counted in ClinVar's aggregate classification.

NM_002335.4(LRP5):c.3916G>T (p.Ala1306Ser)

Gene: LRP5 (LDL receptor related protein 5; plus strand). Cytogenetic location: 11q13.2.
Variant type: single nucleotide variant.
Coding change: c.3916G>T on transcript NM_002335.4 (MANE Select); coding-DNA position 3916, G replaced by T.
Protein change: p.Ala1306Ser; replaces alanine 1306 with serine.
Molecular consequence: missense variant.
Genome position (GRCh38, 1-based): chr11:68,433,754, G>T. VCF-style: chr11-68433754-G-T. GRCh37 (hg19) VCF-style: chr11-68201222-G-T.
Other names: c.2173G>T, p.Ala725Ser (NM_001291902.2); short protein forms A1306S, A725S.
Identifiers: ClinVar variation 1255573 (VCV001255573.9), dbSNP rs748395267, ClinGen allele CA381613897.